The following is an entry in ClinVar:

NM_024422.6(DSC2):c.1784T>C (p.Val595Ala)

Gene: DSC2 (desmocollin 2; minus strand). Cytogenetic location: 18q12.1.
Variant type: single nucleotide variant.
Coding change: c.1784T>C on transcript NM_024422.6 (MANE Select); coding-DNA position 1784, T replaced by C.
Protein change: p.Val595Ala; replaces valine 595 with alanine.
Molecular consequence: missense variant.
Genome position (GRCh38, 1-based): chr18:31,074,787, A>G on the plus strand (T>C on the coding strand, the complement: DSC2 is on the minus strand). VCF-style: chr18-31074787-A-G. GRCh37 (hg19) VCF-style: chr18-28654753-A-G.
Other names: c.1355T>C, p.Val452Ala (NM_001406506.1, NM_001406507.1); c.1784T>C, p.Val595Ala (NM_004949.5); short protein forms V452A, V595A.
Identifiers: ClinVar variation 3072617 (VCV003072617.1), dbSNP rs2510942833, ClinGen allele CA402114022.

ClinVar aggregate classification (germline): Uncertain significance (1 of 4 stars; one submission).

Conditions:
Familial isolated arrhythmogenic right ventricular dysplasia. Identifiers: Orphanet 217656, MedGen C4274968, MONDO:0016342.

Submission:

All of Us Research Program, National Institutes of Health
Classification: Uncertain significance for Familial isolated arrhythmogenic right ventricular dysplasia. Last evaluated: 2023-08-15. Review status: criteria provided, single submitter. Criteria: ACMG Guidelines, 2015. Collection method: clinical testing. Allele origin: germline. Inheritance: Autosomal dominant inheritance. Observed: 1 variant allele, 1 heterozygote.
Comment: This study involves interpretation of variants in research participants for the purpose of population health screening. Participant phenotype was not available at the time of variant classification. Additional details can be found in publication PMID: 35346344, PMCID: PMC8962531